The following is an entry in ClinVar:

NC_000016.9:g.(?_2135211)_(2142622_?)del

Genes: MIR1225 (microRNA 1225; minus strand), PKD1 (polycystin 1, transient receptor potential channel interacting; minus strand), TSC2 (TSC complex subunit 2; plus strand). Cytogenetic location: 16p13.3.
Variant type: Deletion.
Identifiers: ClinVar variation 2423291 (VCV002423291.2).

ClinVar aggregate classification (germline): Pathogenic (1 of 4 stars; one submission).

Conditions:
Tuberous sclerosis 2 (TSC2). Identifiers: Orphanet 805, MedGen C1860707, MONDO:0013199, OMIM 613254.

Submission:

Labcorp Genetics (formerly Invitae), Labcorp
Classification: Pathogenic for Tuberous sclerosis 2. Last evaluated: 2023-10-03. Review status: criteria provided, single submitter. Criteria: Invitae Variant Classification Sherloc (09022015). Collection method: clinical testing. Allele origin: germline.
Comment: This variant is a gross deletion of the genomic region encompassing exon(s) 36-42 of the TSC2 gene, which includes the termination codon. This deletion extends beyond the assayed region for this gene and therefore may encompass additional genes. While this deletion is not anticipated to lead to nonsense mediated decay, it is expected to alter mRNA translation or result in a truncated protein product. This variant has not been reported in the literature in individuals affected with TSC2-related conditions. This variant disrupts a region of the TSC2 protein in which other variant(s) (p.Glu1552del) have been determined to be pathogenic (PMID: 11112665, 22903760). This suggests that this is a clinically significant region of the protein, and that variants that disrupt it are likely to be disease-causing. For these reasons, this variant has been classified as Pathogenic.

Literature cited by the submitters: PubMed 11112665; PubMed 22903760.